The following is an entry in ClinVar:

ClinVar aggregate classification (germline): Pathogenic/Likely pathogenic. Review status: criteria provided, multiple submitters, no conflicts (2 of 4 stars). 3 submissions from 3 submitters: Pathogenic (2); Likely pathogenic (1). Last evaluated 2023-10-11.

Conditions:
Renal cysts and diabetes syndrome (RCAD). Also called: Familial hypoplastic, glomerulocystic kidney; MATURITY-ONSET DIABETES OF THE YOUNG, TYPE 5. Identifiers: Orphanet 93111, MedGen C0431693, MONDO:0007669, OMIM 137920.
Type 2 diabetes mellitus. Also called: Type II diabetes mellitus. Identifiers: MedGen C0011860, MeSH D003924, MONDO:0005148, OMIM 125853, HP:0005978.
Nonpapillary renal cell carcinoma. Identifiers: Orphanet 422526, MedGen CN074294, MONDO:0007763, OMIM 144700.

Submissions (3):

Athena Diagnostics
Classification: Pathogenic. Last evaluated: 2023-10-11. Review status: criteria provided, single submitter. Criteria: Athena Diagnostics Criteria. Collection method: clinical testing. Allele origin: unknown.
Comment: This variant is expected to result in the loss of a functional protein. The frequency of this variant in the general population is consistent with pathogenicity. This variant has been identified in at least one individual with clinical features associated with this gene.

Fulgent Genetics
Classification: Likely pathogenic for Type 2 diabetes mellitus; Renal cysts and diabetes syndrome; Nonpapillary renal cell carcinoma. Last evaluated: 2021-07-14. Review status: criteria provided, single submitter. Criteria: ACMG Guidelines, 2015. Collection method: clinical testing. Allele origin: unknown.

Labcorp Genetics (formerly Invitae), Labcorp
Classification: Pathogenic. Last evaluated: 2021-04-24. Review status: criteria provided, single submitter. Criteria: Invitae Variant Classification Sherloc (09022015). Collection method: clinical testing. Allele origin: germline.
Comment: This sequence change creates a premature translational stop signal (p.Ser377Thrfs*22) in the HNF1B gene. It is expected to result in an absent or disrupted protein product. Loss-of-function variants in HNF1B are known to be pathogenic (PMID: 9398836, 12148114, 15068978, 20378641). This variant is not present in population databases (ExAC no frequency). For these reasons, this variant has been classified as Pathogenic. This variant has not been reported in the literature in individuals with HNF1B-related conditions.

Literature cited by the submitters: PubMed 9398836 (cited by Labcorp Genetics (formerly Invitae), Labcorp); PubMed 12148114 (cited by Labcorp Genetics (formerly Invitae), Labcorp); PubMed 15068978 (cited by Labcorp Genetics (formerly Invitae), Labcorp); PubMed 20378641 (cited by Labcorp Genetics (formerly Invitae), Labcorp).

NM_000458.4(HNF1B):c.1130_1131del (p.Ser377fs)

Gene: HNF1B (HNF1 homeobox B; minus strand). Cytogenetic location: 17q12.
Variant type: Deletion.
Coding change: c.1130_1131del on transcript NM_000458.4 (MANE Select); coding-DNA positions 1130 to 1131, 2 bases deleted (GC; older notation c.1130_1131delGC).
Protein change: p.Ser377fs; shifts the reading frame from serine 377.
Molecular consequence: frameshift variant.
Genome position (GRCh38, 1-based): chr17:37,710,578-37,710,579, GC deleted on the plus strand (GC on the coding strand, the reverse complement: HNF1B is on the minus strand). VCF-style (leftmost placement, unchanged base first): chr17-37710577-GGC-G. GRCh37 (hg19) VCF-style: chr17-36070585-GGC-G.
Other names: c.1130_1131del (NM_000458.3); c.1052_1053del, p.Ser351fs (NM_001165923.4, NM_001304286.2); short protein forms S351fs, S377fs.
Identifiers: ClinVar variation 1365752 (VCV001365752.8), dbSNP rs2147473703, ClinGen allele CA2573153762.